The following is an entry in ClinVar:

ClinVar aggregate classification (germline): Uncertain significance (1 of 4 stars; one submission).

Submission:

Ambry Genetics
Classification: Uncertain significance. Last evaluated: 2022-04-10. Review status: criteria provided, single submitter. Criteria: Ambry Variant Classification Scheme 2023. Collection method: clinical testing. Allele origin: germline.
Comment: The p.V174I variant (also known as c.520G>A), located in coding exon 2 of the GALNT12 gene, results from a G to A substitution at nucleotide position 520. The valine at codon 174 is replaced by isoleucine, an amino acid with highly similar properties. This amino acid position is conserved. In addition, the in silico prediction for this alteration is inconclusive. Since supporting evidence is limited at this time, the clinical significance of this alteration remains unclear.

NM_024642.5(GALNT12):c.520G>A (p.Val174Ile)

Gene: GALNT12 (polypeptide N-acetylgalactosaminyltransferase 12; plus strand). Cytogenetic location: 9q22.33.
Variant type: single nucleotide variant.
Coding change: c.520G>A on transcript NM_024642.5 (MANE Select); coding-DNA position 520, G replaced by A.
Protein change: p.Val174Ile; replaces valine 174 with isoleucine.
Molecular consequence: missense variant.
Genome position (GRCh38, 1-based): chr9:98,823,404, G>A. VCF-style: chr9-98823404-G-A. GRCh37 (hg19) VCF-style: chr9-101585686-G-A.
Other names: short protein forms V174I.
Identifiers: ClinVar variation 1746100 (VCV001746100.2), dbSNP rs2490492822, ClinGen allele CA374216870.
Genomic context (GRCh38, chr9:98,823,404, plus strand): 5'-CGGACAGTTTACAGTGTCCTTGAGACATCCCCGGATATCCTGCTAGAAGAAGTGATCCTT[G>A]TAGATGACTACAGTGATAGAGGTGAGTCCCGGCCAGGGCTCTGGGAAGAGCCTGTCCTTC-3'
Protein context (NP_078918.3, residues 164-184): PDILLEEVIL[Val174Ile]DDYSDREHLK